The following is an entry in ClinVar:

ClinVar aggregate classification (germline): Pathogenic. Review status: criteria provided, single submitter (1 of 4 stars). 2 submissions from 2 submitters: Pathogenic (1). 1 of the submissions does not count toward it. Last evaluated 2024-03-24.

Conditions:
Myocardial infarction, susceptibility to. Identifiers: MedGen C1832662, MONDO:0012039, OMIM 608446.
Congenital factor VII deficiency. Identifiers: Orphanet 327, MedGen C0272320, MONDO:0009211, OMIM 227500.
F7-related disorder. Also called: F7-related condition.

gnomAD v4.1: 48 of 1,612,666 alleles (0.003%); highest among the groups gnomAD compares: Admixed American, 0.018%; no homozygotes.

Submissions (2):

Fulgent Genetics
Classification: Pathogenic for Congenital factor VII deficiency; Myocardial infarction, susceptibility to. Last evaluated: 2024-03-24. Review status: criteria provided, single submitter. Criteria: ACMG Guidelines, 2015. Collection method: clinical testing. Allele origin: germline.

PreventionGenetics, part of Exact Sciences
Classification: Likely pathogenic for F7-related condition. Last evaluated: 2024-04-04. Review status: no assertion criteria provided. Collection method: clinical testing. Allele origin: germline. Not counted in ClinVar's aggregate classification.
Comment: The F7 c.1074G>A variant is predicted to result in the amino acid substitution p.Met358Ile. This variant is also known as p.Met298Ile using legacy nomenclature. This variant has been reported in the homozygous and compound heterozygous states and shown to segregate in individuals with Factor VII deficiency from two unrelated families (Bernardi et al. 1994. PubMed ID: 8043443; Sabater-Lleal et al. 2003. PubMed ID: 12935978). This variant has also been reported in the heterozygous state in an individual with vascular anomalies (Mattassi et al. 2017. PubMed ID: 28655553. Table S2). Other missense substitutions at this codon (c.1074G>C, p.Met358Ile and 1072A>G, p.Met298Val) have been reported with individuals with Factor VII deficiency (Quintavalle et al. 2017. PubMed ID: 28447100; Bernardi et al. 1996. PubMed ID: 8844208) suggesting that substitution of amino acid residue p.Met358 is not tolerated. This variant is reported in 0.026% of alleles in individuals of Latino descent in gnomAD. Taken together, this variant is interpreted as likely pathogenic.

NM_019616.4(F7):c.1008G>A (p.Met336Ile)

Gene: F7 (coagulation factor VII; plus strand). Cytogenetic location: 13q34.
Variant type: single nucleotide variant.
Coding change: c.1008G>A on transcript NM_019616.4 (MANE Select); coding-DNA position 1008, G replaced by A.
Protein change: p.Met336Ile; replaces methionine 336 with isoleucine.
Molecular consequence: missense variant. On other transcripts: non-coding transcript variant (1).
Genome position (GRCh38, 1-based): chr13:113,118,681, G>A. VCF-style: chr13-113118681-G-A. GRCh37 (hg19) VCF-style: chr13-113772995-G-A.
Other names: c.1074G>A, p.Met358Ile (NM_000131.5); c.822G>A, p.Met274Ile (NM_001267554.2); short protein forms M274I, M336I, M358I.
Identifiers: ClinVar variation 3352537 (VCV003352537.2).